The following is an entry in ClinVar:

ClinVar aggregate classification (germline): Uncertain significance (1 of 4 stars; one submission).

Conditions:
Developmental and epileptic encephalopathy 94 (DEE94). Also called: CHD2-Related Neurodevelopmental Disorders; Epileptic encephalopathy, childhood-onset. Identifiers: Orphanet 1942, Orphanet 2382, MedGen C3809278, MONDO:0014150, OMIM 615369.

Submission:

Labcorp Genetics (formerly Invitae), Labcorp
Classification: Uncertain significance for Developmental and epileptic encephalopathy 94. Last evaluated: 2023-07-17. Review status: criteria provided, single submitter. Criteria: Invitae Variant Classification Sherloc (09022015). Collection method: clinical testing. Allele origin: germline.
Comment: This sequence change replaces histidine, which is basic and polar, with arginine, which is basic and polar, at codon 1766 of the CHD2 protein (p.His1766Arg). This variant is not present in population databases (gnomAD no frequency). This variant has not been reported in the literature in individuals affected with CHD2-related conditions. ClinVar contains an entry for this variant (Variation ID: 2111952). Advanced modeling of protein sequence and biophysical properties (such as structural, functional, and spatial information, amino acid conservation, physicochemical variation, residue mobility, and thermodynamic stability) performed at Invitae indicates that this missense variant is not expected to disrupt CHD2 protein function. In summary, the available evidence is currently insufficient to determine the role of this variant in disease. Therefore, it has been classified as a Variant of Uncertain Significance.

NM_001271.4(CHD2):c.5297A>G (p.His1766Arg)

Gene: CHD2 (chromodomain helicase DNA binding protein 2; plus strand). Cytogenetic location: 15q26.1.
Variant type: single nucleotide variant.
Coding change: c.5297A>G on transcript NM_001271.4 (MANE Select); coding-DNA position 5297, A replaced by G.
Protein change: p.His1766Arg; replaces histidine 1766 with arginine.
Molecular consequence: missense variant.
Genome position (GRCh38, 1-based): chr15:93,024,515, A>G. VCF-style: chr15-93024515-A-G. GRCh37 (hg19) VCF-style: chr15-93567745-A-G.
Other names: short protein forms H1766R.
Identifiers: ClinVar variation 2111952 (VCV002111952.4), dbSNP rs1216283851, ClinGen allele CA393908490.